The following is an entry in ClinVar:

ClinVar aggregate classification (germline): Conflicting classifications of pathogenicity. Review status: criteria provided, conflicting classifications (1 of 4 stars). 2 submissions from 2 submitters: Uncertain significance (1); Likely benign (1). Last evaluated 2026-02-09.

Conditions:
Cardiovascular phenotype. Identifiers: MedGen CN230736.
Duchenne muscular dystrophy (DMD). Also called: MUSCULAR DYSTROPHY, PSEUDOHYPERTROPHIC PROGRESSIVE, DUCHENNE TYPE; Duchenne Muscular Dystrophy (DMD). Identifiers: Orphanet 98896, MedGen C0013264, MONDO:0010679, OMIM 310200.

Submissions (2):

Ambry Genetics
Classification: Likely benign for Cardiovascular phenotype. Last evaluated: 2026-02-09. Review status: criteria provided, single submitter. Criteria: Ambry Variant Classification Scheme 2023. Collection method: clinical testing. Allele origin: germline.

Labcorp Genetics (formerly Invitae), Labcorp
Classification: Uncertain significance for Duchenne muscular dystrophy. Last evaluated: 2023-08-04. Review status: criteria provided, single submitter. Criteria: Invitae Variant Classification Sherloc (09022015). Collection method: clinical testing. Allele origin: germline.
Comment: This sequence change replaces glutamine, which is neutral and polar, with histidine, which is basic and polar, at codon 2569 of the DMD protein (p.Gln2569His). This variant is not present in population databases (gnomAD no frequency). This variant has not been reported in the literature in individuals affected with DMD-related conditions. ClinVar contains an entry for this variant (Variation ID: 2176089). Advanced modeling of protein sequence and biophysical properties (such as structural, functional, and spatial information, amino acid conservation, physicochemical variation, residue mobility, and thermodynamic stability) performed at Invitae indicates that this missense variant is not expected to disrupt DMD protein function. In summary, the available evidence is currently insufficient to determine the role of this variant in disease. Therefore, it has been classified as a Variant of Uncertain Significance.

NM_004006.3(DMD):c.7707G>C (p.Gln2569His)

Gene: DMD (dystrophin; minus strand). Cytogenetic location: Xp21.1.
Variant type: single nucleotide variant.
Coding change: c.7707G>C on transcript NM_004006.3 (MANE Select); coding-DNA position 7707, G replaced by C.
Protein change: p.Gln2569His; replaces glutamine 2569 with histidine.
Molecular consequence: missense variant.
Genome position (GRCh38, 1-based): chrX:31,679,540, C>G on the plus strand (G>C on the coding strand, the complement: DMD is on the minus strand). VCF-style: chrX-31679540-C-G. GRCh37 (hg19) VCF-style: chrX-31697657-C-G.
Other names: c.7683G>C, p.Gln2561His (NM_000109.4); c.7695G>C, p.Gln2565His (NM_004009.3); c.7338G>C, p.Gln2446His (NM_004010.3); c.3684G>C, p.Gln1228His (NM_004011.4); c.3675G>C, p.Gln1225His (NM_004012.4); c.327G>C, p.Gln109His (NM_004013.3, NM_004020.4, NM_004021.3 and 2 more transcripts); short protein forms Q1225H, Q2565H, Q109H, Q1228H, Q2446H, Q2561H, Q2569H.
Identifiers: ClinVar variation 2176089 (VCV002176089.5), dbSNP rs2529179677, ClinGen allele CA412656915.
Genomic context (GRCh38, chrX:31,679,540, plus strand): 5'-CTTAGCTTCCAGCCATTGTGTTGAATCCTTTAACATTTCATTCAACTGTTGCCTCCGGTT[C>G]TGAAGGTGTTCTTGTACTTCATCCCACTGATTCTGAATTCTTTCAACTAGAATAAAAGGA-3'
Protein context (NP_003997.2, residues 2559-2579): NQWDEVQEHL[Gln2569His]NRRQQLNEML